The following is an entry in ClinVar:

NM_144508.5(KNL1):c.6043A>C (p.Met2015Leu)

Gene: KNL1 (kinetochore scaffold 1; plus strand). Cytogenetic location: 15q15.1.
Variant type: single nucleotide variant.
Coding change: c.6043A>C on transcript NM_144508.5 (MANE Select); coding-DNA position 6043, A replaced by C.
Protein change: p.Met2015Leu; replaces methionine 2015 with leucine.
Molecular consequence: missense variant.
Genome position (GRCh38, 1-based): chr15:40,647,023, A>C. VCF-style: chr15-40647023-A-C. GRCh37 (hg19) VCF-style: chr15-40939221-A-C.
Other names: c.6121A>C, p.Met2041Leu (NM_170589.5); short protein forms M2015L, M2041L.
Identifiers: ClinVar variation 730228 (VCV000730228.8), dbSNP rs146571920, ClinGen allele CA7483568.

ClinVar aggregate classification (germline): Conflicting classifications of pathogenicity. Review status: criteria provided, conflicting classifications (1 of 4 stars). 3 submissions from 3 submitters: Uncertain significance (1); Likely benign (2). Last evaluated 2024-10-10.

Conditions:
Microcephaly 4, primary, autosomal recessive. Identifiers: Orphanet 2512, MedGen C1858516, MONDO:0011437, OMIM 604321.
KNL1-related disorder. Also called: KNL1-related condition.

Allele frequency attached by ClinVar (database versions not stated): gnomAD 0.00016 and 0.00032; TOPMed 0.00025; gnomAD exomes 0.00040 and 0.00057; ExAC 0.00050; 1000 Genomes Project 30x 0.00141; 1000 Genomes Project 0.00160.
gnomAD v4.1: 839 of 1,525,020 alleles (0.055%); highest among the groups gnomAD compares: East Asian, 1.6%; 11 homozygotes.

Submissions (3):

PreventionGenetics, part of Exact Sciences
Classification: Likely benign for KNL1-related condition. Last evaluated: 2024-10-10. Review status: criteria provided, single submitter. Criteria: ACMG Guidelines, 2015. Collection method: clinical testing. Allele origin: germline.
Comment: This variant is classified as likely benign based on ACMG/AMP sequence variant interpretation guidelines (Richards et al. 2015 PMID: 25741868, with internal and published modifications).

Labcorp Genetics (formerly Invitae), Labcorp
Classification: Likely benign. Last evaluated: 2018-06-13. Review status: criteria provided, single submitter. Criteria: Invitae Variant Classification Sherloc (09022015). Collection method: clinical testing. Allele origin: germline.

Illumina Laboratory Services, Illumina
Classification: Uncertain significance for Microcephaly 4, primary, autosomal recessive. Last evaluated: 2018-01-13. Review status: criteria provided, single submitter. Criteria: ICSL Variant Classification Criteria 13 December 2019. Collection method: clinical testing. Allele origin: germline.